The following is an entry in ClinVar:

ClinVar aggregate classification (germline): Pathogenic/Likely pathogenic. Review status: criteria provided, multiple submitters, no conflicts (2 of 4 stars). 3 submissions from 3 submitters: Pathogenic (2); Likely pathogenic (1). Last evaluated 2026-06-06.

Conditions:
Poirier-Bienvenu neurodevelopmental syndrome (POBINDS). Identifiers: Orphanet 689397, MedGen C5231482, MONDO:0032889, OMIM 618732.
Inborn genetic diseases. Identifiers: MedGen C0950123, MeSH D030342.

Submissions (3):

Ambry Genetics
Classification: Pathogenic for Inborn genetic diseases. Last evaluated: 2026-06-06. Review status: criteria provided, single submitter. Criteria: Ambry Variant Classification Scheme 2023. Collection method: clinical testing. Allele origin: germline.
Comment: The c.72+1G>A intronic variant consists of a G to A substitution one nucleotide(s) after exon 2 (coding exon 1) of the CSNK2B gene. The stop codon in the predicted resulting transcript occurs in the 5' end of the CSNK2B gene. As such, this variant may escape nonsense-mediated mRNA decay and/or be prone to rescue by reinitiation (Rivas, 2015; Lindeboom, 2016; Rhee, 2017). The exact functional effect of this variant is unknown; however, the region predicted to be impacted is critical for protein function (Ambry internal data). This variant was not reported in population-based cohorts in the Genome Aggregation Database (gnomAD). This variant was determined to be de novo in at least one individual with features consistent with CSNK2B-related neurodevelopmental disorder (Ambry internal data). This nucleotide position is highly conserved in available vertebrate species. In silico splice site analysis predicts that this alteration will weaken the native splice donor site. Based on the available evidence, this alteration is classified as pathogenic.

GeneDx
Classification: Pathogenic. Last evaluated: 2024-03-27. Review status: criteria provided, single submitter. Criteria: GeneDx Variant Classification Process June 2021. Collection method: clinical testing. Allele origin: germline. Affected: yes.
Comment: Canonical splice site variant in a gene for which loss-of-function is a known mechanism of disease; Not observed in large population cohorts (gnomAD); Has not been previously published as pathogenic or benign to our knowledge

Rady Children's Institute for Genomic Medicine, Rady Children's Hospital San Diego
Classification: Likely pathogenic for Poirier-Bienvenu neurodevelopmental syndrome. Last evaluated: 2020-06-25. Review status: criteria provided, single submitter. Criteria: ACMG Guidelines, 2015. Collection method: clinical testing. Allele origin: germline. Affected: yes.
Comment: This variant affects the canonical splice donor site of intron 2 and is therefore predicted to interfere with splicing and result in loss of normal protein function through either protein truncation or nonsense-mediated mRNA decay (NMD). This variant has not been previously reported or functionally characterized in the literature to our knowledge. It is absent from the gnomAD population database and thus is presumed to be rare. Multiple splice prediction tools suggest this variant is likely to interfere with normal splicing. Analysis of the parental samples was negative for the variant, indicating this variant likely occurred as a de novo event. Based on the available evidence, the c.72+1G>A variant is classified as Likely Pathogenic.

NM_001320.7(CSNK2B):c.72+1G>A

Gene: CSNK2B (casein kinase 2 beta; plus strand). Cytogenetic location: 6p21.33.
Variant type: single nucleotide variant.
Coding change: c.72+1G>A on transcript NM_001320.7 (MANE Select); the canonical splice donor site of the intron after coding-DNA position 72, G replaced by A.
Molecular consequence: splice donor variant.
Genome position (GRCh38, 1-based): chr6:31,666,904, G>A. VCF-style: chr6-31666904-G-A. GRCh37 (hg19) VCF-style: chr6-31634681-G-A.
Other names: c.72+1G>A (NM_001282385.2).
Identifiers: ClinVar variation 985139 (VCV000985139.6), dbSNP rs1801761541, ClinGen allele CA363469913.